The following is an entry in ClinVar:

NM_001457.4(FLNB):c.3689G>A (p.Arg1230Lys)

Gene: FLNB (filamin B; plus strand). Cytogenetic location: 3p14.3.
Variant type: single nucleotide variant.
Coding change: c.3689G>A on transcript NM_001457.4 (MANE Select); coding-DNA position 3689, G replaced by A.
Protein change: p.Arg1230Lys; replaces arginine 1230 with lysine.
Molecular consequence: missense variant.
Genome position (GRCh38, 1-based): chr3:58,123,655, G>A. VCF-style: chr3-58123655-G-A. GRCh37 (hg19) VCF-style: chr3-58109382-G-A.
Other names: c.3689G>A, p.Arg1230Lys (NM_001164317.2, NM_001164318.2, NM_001164319.2); short protein forms R1230K.
Identifiers: ClinVar variation 4801709 (VCV004801709.1).
Genomic context (GRCh38, chr3:58,123,655, plus strand): 5'-GCGAACTCGTGCCACACTTCCCCGCCCGGGTCAAGGTGGAGCCCGCCGTGGACACCAGCA[G>A]GATCAAAGTCTTTGGACCAGGAATAGAAGGGAAAGGTGGGTTTCATTTAAAAAAAAAAAA-3'
Protein context (NP_001448.2, residues 1220-1240): VKVEPAVDTS[Arg1230Lys]IKVFGPGIEG

ClinVar aggregate classification (germline): Uncertain significance (1 of 4 stars; one submission).

gnomAD v4.1: 5 of 1,606,944 alleles (0.00031%); highest among the groups gnomAD compares: Middle Eastern, 0.017%; no homozygotes.

Submission:

Labcorp Genetics (formerly Invitae), Labcorp
Classification: Uncertain significance. Last evaluated: 2025-06-06. Review status: criteria provided, single submitter. Criteria: Invitae Variant Classification Sherloc (09022015). Collection method: clinical testing. Allele origin: germline.
Comment: This sequence change replaces arginine, which is basic and polar, with lysine, which is basic and polar, at codon 1230 of the FLNB protein (p.Arg1230Lys). This variant is not present in population databases (gnomAD no frequency). This variant has not been reported in the literature in individuals affected with FLNB-related conditions. Invitae Evidence Modeling of protein sequence and biophysical properties (such as structural, functional, and spatial information, amino acid conservation, physicochemical variation, residue mobility, and thermodynamic stability) indicates that this missense variant is not expected to disrupt FLNB protein function with a negative predictive value of 95%. In summary, the available evidence is currently insufficient to determine the role of this variant in disease. Therefore, it has been classified as a Variant of Uncertain Significance.